The following is an entry in ClinVar:

NM_005188.4(CBL):c.119A>T (p.His40Leu)

Genes: CBL (Cbl proto-oncogene; plus strand), LOC130006895 (ATAC-STARR-seq lymphoblastoid silent region 3975; plus strand). Cytogenetic location: 11q23.3.
Variant type: single nucleotide variant.
Coding change: c.119A>T on transcript NM_005188.4 (MANE Select); coding-DNA position 119, A replaced by T.
Protein change: p.His40Leu; replaces histidine 40 with leucine.
Molecular consequence: missense variant.
Genome position (GRCh38, 1-based): chr11:119,206,536, A>T. VCF-style: chr11-119206536-A-T. GRCh37 (hg19) VCF-style: chr11-119077246-A-T.
Other names: short protein forms H40L.
Identifiers: ClinVar variation 3996027 (VCV003996027.1).
Genomic context (GRCh38, chr11:119,206,536, plus strand): 5'-CGGGTTCGGGTGGCCTGATTGGGCTCATGAAGGACGCCTTCCAGCCGCACCACCACCACC[A>T]CCACCACCTCAGCCCCCACCCGCCGGGGACGGTGGACAAGAAGATGGTGGAGAAGTGCTG-3'
Protein context (NP_005179.2, residues 30-50): KDAFQPHHHH[His40Leu]HHLSPHPPGT

ClinVar aggregate classification (germline): Uncertain significance (1 of 4 stars; one submission).

Conditions:
Cardiovascular phenotype. Identifiers: MedGen CN230736.

gnomAD v4.1: 3 of 1,552,898 alleles (0.00019%); highest among the groups gnomAD compares: Non-Finnish European, 0.00026%; no homozygotes.

Submission:

Ambry Genetics
Classification: Uncertain significance for Cardiovascular phenotype. Last evaluated: 2025-04-18. Review status: criteria provided, single submitter. Criteria: Ambry Variant Classification Scheme 2023. Collection method: clinical testing. Allele origin: germline.
Comment: The p.H40L variant (also known as c.119A>T), located in coding exon 1 of the CBL gene, results from an A to T substitution at nucleotide position 119. The histidine at codon 40 is replaced by leucine, an amino acid with similar properties. This amino acid position is conserved. In addition, the in silico prediction for this alteration is inconclusive. Based on the available evidence, the clinical significance of this variant remains unclear.